The following is an entry in ClinVar:

NM_000384.3(APOB):c.3887T>C (p.Ile1296Thr)

Gene: APOB (apolipoprotein B; minus strand). Cytogenetic location: 2p24.1.
Variant type: single nucleotide variant.
Coding change: c.3887T>C on transcript NM_000384.3 (MANE Select); coding-DNA position 3887, T replaced by C.
Protein change: p.Ile1296Thr; replaces isoleucine 1296 with threonine.
Molecular consequence: missense variant.
Genome position (GRCh38, 1-based): chr2:21,013,489, A>G on the plus strand (T>C on the coding strand, the complement: APOB is on the minus strand). VCF-style: chr2-21013489-A-G. GRCh37 (hg19) VCF-style: chr2-21236361-A-G.
Other names: short protein forms I1296T.
Identifiers: ClinVar variation 4070659 (VCV004070659.1).

ClinVar aggregate classification (germline): Uncertain significance (1 of 4 stars; one submission).

gnomAD v4.1: 4 of 1,614,080 alleles (0.00025%); highest among the groups gnomAD compares: African/African-American, 0.0013%; no homozygotes.

Submission:

GeneDx
Classification: Uncertain significance. Last evaluated: 2025-01-07. Review status: criteria provided, single submitter. Criteria: GeneDx Variant Classification Process June 2021. Collection method: clinical testing. Allele origin: germline. Affected: yes.
Comment: Not observed at significant frequency in large population cohorts (gnomAD); In silico analysis supports that this missense variant has a deleterious effect on protein structure/function; Has not been previously published as pathogenic or benign to our knowledge